The following is an entry in ClinVar:

NM_000393.5(COL5A2):c.470C>T (p.Pro157Leu)

Gene: COL5A2 (collagen type V alpha 2 chain; minus strand). Cytogenetic location: 2q32.2.
Variant type: single nucleotide variant.
Coding change: c.470C>T on transcript NM_000393.5 (MANE Select); coding-DNA position 470, C replaced by T.
Protein change: p.Pro157Leu; replaces proline 157 with leucine.
Molecular consequence: missense variant.
Genome position (GRCh38, 1-based): chr2:189,092,407, G>A on the plus strand (C>T on the coding strand, the complement: COL5A2 is on the minus strand). VCF-style: chr2-189092407-G-A. GRCh37 (hg19) VCF-style: chr2-189957133-G-A.
Other names: short protein forms P157L.
Identifiers: ClinVar variation 2752622 (VCV002752622.3), dbSNP rs144754622, ClinGen allele CA62571293.
Genomic context (GRCh38, chr2:189,092,407, plus strand): 5'-CCAGGAGGTCCTGGAGCACCAGGTTGACCAGGAACACCTGGTTCTCCATCAATTCCCTGA[G>A]GTCCACGAGGGCCCTGGAAAACAAGCCAGTTAAAATTAGAACCCACTGCCAAATATACAC-3'
Protein context (NP_000384.2, residues 147-167): GPKGRPGPRG[Pro157Leu]QGIDGEPGVP

ClinVar aggregate classification (germline): Uncertain significance (1 of 4 stars; one submission).

Conditions:
Ehlers-Danlos syndrome, classic type, 1 (EDSCL1). Also called: EHLERS-DANLOS SYNDROME, GRAVIS TYPE; EHLERS-DANLOS SYNDROME, SEVERE CLASSIC TYPE; Ehlers-Danlos syndrome, type 1; Ehlers-Danlos Syndrome, Classic Type, COL5A1-Related; EDS I. Identifiers: MedGen C0268335, MONDO:0019567, OMIM 130000.

Allele frequency attached by ClinVar (database versions not stated): ESP Exome Variant Server 0.00008.
gnomAD v4.1: 10 of 1,596,388 alleles (0.00063%); highest among the groups gnomAD compares: Non-Finnish European, 0.00085%; no homozygotes.

Submission:

Labcorp Genetics (formerly Invitae), Labcorp
Classification: Uncertain significance for Ehlers-Danlos syndrome, classic type, 1. Last evaluated: 2023-07-14. Review status: criteria provided, single submitter. Criteria: Invitae Variant Classification Sherloc (09022015). Collection method: clinical testing. Allele origin: germline.
Comment: In summary, the available evidence is currently insufficient to determine the role of this variant in disease. Therefore, it has been classified as a Variant of Uncertain Significance. Advanced modeling of protein sequence and biophysical properties (such as structural, functional, and spatial information, amino acid conservation, physicochemical variation, residue mobility, and thermodynamic stability) performed at Invitae indicates that this missense variant is not expected to disrupt COL5A2 protein function. This variant has not been reported in the literature in individuals affected with COL5A2-related conditions. This variant is not present in population databases (gnomAD no frequency). This sequence change replaces proline, which is neutral and non-polar, with leucine, which is neutral and non-polar, at codon 157 of the COL5A2 protein (p.Pro157Leu).